The following is an entry in ClinVar:

ClinVar aggregate classification (germline): Conflicting classifications of pathogenicity. Review status: criteria provided, conflicting classifications (1 of 4 stars). 2 submissions from 2 submitters: Uncertain significance (1); Benign (1). Last evaluated 2025-06-11.

gnomAD v4.1: 35 of 1,604,128 alleles (0.0022%); highest among the groups gnomAD compares: East Asian, 0.011%; no homozygotes.

Submissions (2):

Labcorp Genetics (formerly Invitae), Labcorp
Classification: Uncertain significance. Last evaluated: 2025-06-11. Review status: criteria provided, single submitter. Criteria: Invitae Variant Classification Sherloc (09022015). Collection method: clinical testing. Allele origin: germline.
Comment: This sequence change replaces arginine, which is basic and polar, with cysteine, which is neutral and slightly polar, at codon 2031 of the NOTCH3 protein (p.Arg2031Cys). The frequency data for this variant in the population databases is considered unreliable, as metrics indicate poor data quality at this position in the gnomAD database. This missense change has been observed in individual(s) with clinical features of NOTCH3-related conditions (PMID: 33973882, 37479695). Invitae Evidence Modeling of protein sequence and biophysical properties (such as structural, functional, and spatial information, amino acid conservation, physicochemical variation, residue mobility, and thermodynamic stability) has been performed for this missense variant. However, the output from this modeling did not meet the statistical confidence thresholds required to predict the impact of this variant on NOTCH3 protein function. In summary, the available evidence is currently insufficient to determine the role of this variant in disease. Therefore, it has been classified as a Variant of Uncertain Significance.

Mayo Clinic Laboratories, Mayo Clinic
Classification: Benign. Last evaluated: 2020-06-09. Review status: criteria provided, single submitter. Criteria: ACMG Guidelines, 2015. Collection method: clinical testing. Allele origin: germline. Observed: 1 variant allele.

Literature cited by the submitters: PubMed 33973882 (cited by Labcorp Genetics (formerly Invitae), Labcorp); PubMed 37479695 (cited by Labcorp Genetics (formerly Invitae), Labcorp).

NM_000435.3(NOTCH3):c.6091C>T (p.Arg2031Cys)

Gene: NOTCH3 (notch receptor 3; minus strand). Cytogenetic location: 19p13.12.
Variant type: single nucleotide variant.
Coding change: c.6091C>T on transcript NM_000435.3 (MANE Select); coding-DNA position 6091, C replaced by T.
Protein change: p.Arg2031Cys; replaces arginine 2031 with cysteine.
Molecular consequence: missense variant.
Genome position (GRCh38, 1-based): chr19:15,161,537, G>A on the plus strand (C>T on the coding strand, the complement: NOTCH3 is on the minus strand). VCF-style: chr19-15161537-G-A. GRCh37 (hg19) VCF-style: chr19-15272348-G-A.
Other names: p.Arg2031Cys; short protein forms R2031C.
Identifiers: ClinVar variation 4684315 (VCV004684315.2).